The following is an entry in ClinVar:

NM_001267550.2(TTN):c.7613G>T (p.Gly2538Val)

Gene: TTN (titin; minus strand). Cytogenetic location: 2q31.2.
Variant type: single nucleotide variant.
Coding change: c.7613G>T on transcript NM_001267550.2 (MANE Select); coding-DNA position 7613, G replaced by T.
Protein change: p.Gly2538Val; replaces glycine 2538 with valine.
Molecular consequence: missense variant.
Genome position (GRCh38, 1-based): chr2:178,773,351, C>A on the plus strand (G>T on the coding strand, the complement: TTN is on the minus strand). VCF-style: chr2-178773351-C-A. GRCh37 (hg19) VCF-style: chr2-179638078-C-A.
Other names: c.7613G>T, p.Gly2538Val (NM_001256850.1, NM_133378.4, NM_133379.5); c.7475G>T, p.Gly2492Val (NM_003319.4, NM_133432.3, NM_133437.4); short protein forms G2492V, G2538V.
Identifiers: ClinVar variation 2580028 (VCV002580028.1), dbSNP rs1274574174, ClinGen allele CA349679360.

ClinVar aggregate classification (germline): Uncertain significance (1 of 4 stars; one submission).

gnomAD v4.1: 2 of 1,613,930 alleles (0.00012%); highest among the groups gnomAD compares: Non-Finnish European, 0.00017%; no homozygotes.

Submission:

GeneDx
Classification: Uncertain significance. Last evaluated: 2023-03-13. Review status: criteria provided, single submitter. Criteria: GeneDx Variant Classification Process June 2021. Collection method: clinical testing. Allele origin: germline. Affected: yes.
Comment: Not observed at significant frequency in large population cohorts (gnomAD); Missense variant in a gene in which most reported pathogenic variants are truncating/loss of function; Has not been previously published as pathogenic or benign to our knowledge